The following is an entry in ClinVar:

NM_014989.7(RIMS1):c.1829A>G (p.Lys610Arg)

Gene: RIMS1 (regulating synaptic membrane exocytosis 1; plus strand). Cytogenetic location: 6q13.
Variant type: single nucleotide variant.
Coding change: c.1829A>G on transcript NM_014989.7 (MANE Select); coding-DNA position 1829, A replaced by G.
Protein change: p.Lys610Arg; replaces lysine 610 with arginine.
Molecular consequence: missense variant.
Genome position (GRCh38, 1-based): chr6:72,235,700, A>G. VCF-style: chr6-72235700-A-G. GRCh37 (hg19) VCF-style: chr6-72945403-A-G.
Other names: c.8A>G, p.Lys3Arg (NM_001350463.2, NM_001350464.2, NM_001350465.2 and 6 more transcripts); c.206A>G, p.Lys69Arg (NM_001350470.2, NM_001350472.2, NM_001350473.2 and 2 more transcripts); c.182A>G, p.Lys61Arg (NM_001350471.2, NM_001350450.2, NM_001350459.2 and 6 more transcripts); c.251A>G, p.Lys84Arg (NM_001350452.2, NM_001350454.2, NM_001350455.2 and 37 more transcripts); short protein forms K84R, K610R, K3R, K61R, K69R.
Identifiers: ClinVar variation 3154364 (VCV003154364.3), dbSNP rs763336345, ClinGen allele CA3885828.
Genomic context (GRCh38, chr6:72,235,700, plus strand): 5'-CTAAAGAGGGGGACCGATTAATTGGACGTGTTATTCTTAACAAGAGAACAACCATGCCCA[A>G]AGACTCAGGTGCATTGCTGGGTCTGAAAGTAAGTATGCTGGTTTAAAATGTTTCTTAAAG-3'
Protein context (NP_055804.2, residues 600-620): VILNKRTTMP[Lys610Arg]DSGALLGLKV

ClinVar aggregate classification (germline): Uncertain significance. Review status: criteria provided, multiple submitters, no conflicts (2 of 4 stars). 2 submissions from 2 submitters: Uncertain significance (2). Last evaluated 2024-09-17.

Allele frequency attached by ClinVar (database versions not stated): gnomAD exomes below 0.00001; ExAC 0.00001; gnomAD 0.00002; TOPMed 0.00005.
gnomAD v4.1: 5 of 1,607,646 alleles (0.00031%); highest among the groups gnomAD compares: Admixed American, 0.0067%; no homozygotes.

Submissions (2):

Labcorp Genetics (formerly Invitae), Labcorp
Classification: Uncertain significance. Last evaluated: 2024-09-17. Review status: criteria provided, single submitter. Criteria: Invitae Variant Classification Sherloc (09022015). Collection method: clinical testing. Allele origin: germline.
Comment: This sequence change replaces lysine, which is basic and polar, with arginine, which is basic and polar, at codon 610 of the RIMS1 protein (p.Lys610Arg). This variant is present in population databases (rs763336345, gnomAD 0.003%). This variant has not been reported in the literature in individuals affected with RIMS1-related conditions. An algorithm developed to predict the effect of missense changes on protein structure and function (PolyPhen-2) suggests that this variant is likely to be tolerated. In summary, the available evidence is currently insufficient to determine the role of this variant in disease. Therefore, it has been classified as a Variant of Uncertain Significance.

Ambry Genetics
Classification: Uncertain significance. Last evaluated: 2024-02-12. Review status: criteria provided, single submitter. Criteria: Ambry Variant Classification Scheme 2023. Collection method: clinical testing. Allele origin: germline.